The following is an entry in ClinVar:

ClinVar aggregate classification (germline): Uncertain significance (1 of 4 stars; one submission).

Submission:

GeneDx
Classification: Uncertain significance. Last evaluated: 2022-11-16. Review status: criteria provided, single submitter. Criteria: GeneDx Variant Classification Process June 2021. Collection method: clinical testing. Allele origin: germline. Affected: yes.
Comment: Not observed at significant frequency in large population cohorts (gnomAD); In silico analysis supports that this missense variant has a deleterious effect on protein structure/function; Has not been previously published as pathogenic or benign to our knowledge

NM_003611.3(OFD1):c.1738C>G (p.Pro580Ala)

Gene: OFD1 (OFD1 centriole and centriolar satellite protein; plus strand). Cytogenetic location: Xp22.2.
Variant type: single nucleotide variant.
Coding change: c.1738C>G on transcript NM_003611.3 (MANE Select); coding-DNA position 1738, C replaced by G.
Protein change: p.Pro580Ala; replaces proline 580 with alanine.
Molecular consequence: missense variant.
Genome position (GRCh38, 1-based): chrX:13,760,198, C>G. VCF-style: chrX-13760198-C-G. GRCh37 (hg19) VCF-style: chrX-13778317-C-G.
Other names: c.1618C>G, p.Pro540Ala (NM_001330209.2); c.1318C>G, p.Pro440Ala (NM_001330210.2); short protein forms P440A, P540A, P580A.
Identifiers: ClinVar variation 2502765 (VCV002502765.1), dbSNP rs2047873725, ClinGen allele CA412343715.